The following is an entry in ClinVar:

NM_005359.6(SMAD4):c.750G>A (p.Gln250=)

Gene: SMAD4 (SMAD family member 4; plus strand). Cytogenetic location: 18q21.2.
Variant type: single nucleotide variant.
Coding change: c.750G>A on transcript NM_005359.6 (MANE Select); coding-DNA position 750, G replaced by A.
Protein change: p.Gln250=; no amino-acid change (glutamine 250 retained).
Molecular consequence: synonymous variant.
Genome position (GRCh38, 1-based): chr18:51,058,207, G>A. VCF-style: chr18-51058207-G-A. GRCh37 (hg19) VCF-style: chr18-48584577-G-A.
Identifiers: ClinVar variation 492492 (VCV000492492.15), dbSNP rs1555685922, ClinGen allele CA503993932.

ClinVar aggregate classification (germline): Benign/Likely benign. Review status: criteria provided, multiple submitters, no conflicts (2 of 4 stars). 4 submissions from 4 submitters: Benign (1); Likely benign (3). Last evaluated 2025-03-19.

Conditions:
Hereditary cancer-predisposing syndrome. Also called: Hereditary neoplastic syndrome; Tumor predisposition; Neoplastic Syndromes, Hereditary; Hereditary Cancer Syndrome. Identifiers: Orphanet 140162, MedGen C0027672, MeSH D009386, MONDO:0015356.
Familial thoracic aortic aneurysm and aortic dissection (TAAD). Also called: Thoracic aortic aneurysms and dissections. Identifiers: Orphanet 91387, MedGen C4707243, MONDO:0019625.
Juvenile polyposis syndrome (JPS). Identifiers: Orphanet 2929, MedGen C0345893, MONDO:0017380, OMIM 174900.
Juvenile polyposis/hereditary hemorrhagic telangiectasia syndrome (JPHT). Also called: Juvenile Polyposis Syndrome / Hereditary Hemorrhagic Telangiectasia (JPS/HHT); JP/HHT SYNDROME; JUVENILE POLYPOSIS WITH HEREDITARY HEMORRHAGIC TELANGIECTASIA; POLYPOSIS, GENERALIZED JUVENILE, WITH PULMONARY ARTERIOVENOUS MALFORMATION; TELANGIECTASIA, HEREDITARY HEMORRHAGIC, WITH JUVENILE POLYPOSIS COLI. Identifiers: Orphanet 2929, MedGen C1832942, MONDO:0008278, OMIM 175050.

Allele frequency attached by ClinVar (database versions not stated): gnomAD exomes below 0.00001.
gnomAD v4.1: 2 of 1,614,198 alleles (0.00012%); highest among the groups gnomAD compares: Non-Finnish European, 0.00017%; no homozygotes.

Submissions (4):

Myriad Genetics, Inc.
Classification: Benign for Juvenile polyposis/hereditary hemorrhagic telangiectasia syndrome. Last evaluated: 2025-03-19. Review status: criteria provided, single submitter. Criteria: Myriad Autosomal Dominant, Autosomal Recessive and X-Linked Classification Criteria (2023). Collection method: clinical testing. Allele origin: unknown.
Comment: This variant is considered benign. This variant is a silent/synonymous amino acid change and it is not expected to impact splicing.

Labcorp Genetics (formerly Invitae), Labcorp
Classification: Likely benign for Juvenile polyposis syndrome. Last evaluated: 2022-03-10. Review status: criteria provided, single submitter. Criteria: Invitae Variant Classification Sherloc (09022015). Collection method: clinical testing. Allele origin: germline.

Ambry Genetics
Classification: Likely benign for Hereditary cancer-predisposing syndrome; Familial thoracic aortic aneurysm and aortic dissection. Last evaluated: 2021-07-06. Review status: criteria provided, single submitter. Criteria: Ambry Variant Classification Scheme 2023. Collection method: clinical testing. Allele origin: germline.

Color Diagnostics, LLC DBA Color Health
Classification: Likely benign for Hereditary cancer-predisposing syndrome. Last evaluated: 2017-08-21. Review status: criteria provided, single submitter. Criteria: ACMG Guidelines, 2015. Collection method: clinical testing. Allele origin: germline.